The following is an entry in ClinVar:

ClinVar aggregate classification (germline): Likely benign (0 of 4 stars; one submission).

Conditions:
ATP2C2-related disorder. Also called: ATP2C2-related condition.

gnomAD v4.1: 32 of 1,613,974 alleles (0.002%); highest among the groups gnomAD compares: Admixed American, 0.015%; no homozygotes.

Submission:

PreventionGenetics, part of Exact Sciences
Classification: Likely benign for ATP2C2-related condition. Last evaluated: 2019-08-29. Review status: no assertion criteria provided. Collection method: clinical testing. Allele origin: germline.
Comment: This variant is classified as likely benign based on ACMG/AMP sequence variant interpretation guidelines (Richards et al. 2015 PMID: 25741868, with internal and published modifications).

NM_014861.4(ATP2C2):c.270C>G (p.Gly90=)

Gene: ATP2C2 (ATPase secretory pathway Ca2+ transporting 2; plus strand). Cytogenetic location: 16q24.1.
Variant type: single nucleotide variant.
Coding change: c.270C>G on transcript NM_014861.4 (MANE Select); coding-DNA position 270, C replaced by G.
Protein change: p.Gly90=; no amino-acid change (glycine 90 retained).
Molecular consequence: synonymous variant.
Genome position (GRCh38, 1-based): chr16:84,405,187, C>G. VCF-style: chr16-84405187-C-G. GRCh37 (hg19) VCF-style: chr16-84438793-C-G.
Other names: c.270C>G, p.Gly90= (NM_001286527.3).
Identifiers: ClinVar variation 3053590 (VCV003053590.2), dbSNP rs369766004, ClinGen allele CA8206541.